The following is an entry in ClinVar:

NM_032634.4(PIGO):c.1069C>T (p.His357Tyr)

Gene: PIGO (phosphatidylinositol glycan anchor biosynthesis class O; minus strand). Cytogenetic location: 9p13.3.
Variant type: single nucleotide variant.
Coding change: c.1069C>T on transcript NM_032634.4 (MANE Select); coding-DNA position 1069, C replaced by T.
Protein change: p.His357Tyr; replaces histidine 357 with tyrosine.
Molecular consequence: missense variant.
Genome position (GRCh38, 1-based): chr9:35,093,080, G>A on the plus strand (C>T on the coding strand, the complement: PIGO is on the minus strand). VCF-style: chr9-35093080-G-A. GRCh37 (hg19) VCF-style: chr9-35093077-G-A.
Other names: c.1069C>T, p.His357Tyr (NM_001201484.2, NM_152850.4); short protein forms H357Y.
Identifiers: ClinVar variation 652852 (VCV000652852.14), dbSNP rs141121202, ClinGen allele CA5040737.
Genomic context (GRCh38, chr9:35,093,080, plus strand): 5'-GCTTACCTACCTGCTGAGCATTGAGATGGAGAGCTGAGGCTTGGGCTAAAGCAGAGGAGT[G>A]GGGCTGGGAGTCCTCACCCCCTGAGAATAGCTCAGCCATCACTTCCCCGATATTCCCAAA-3'
Protein context (NP_116023.2, residues 347-367): LFSGGEDSQP[His357Tyr]SSALAQASAL

ClinVar aggregate classification (germline): Conflicting classifications of pathogenicity. Review status: criteria provided, conflicting classifications (1 of 4 stars). 3 submissions from 3 submitters: Uncertain significance (2); Likely benign (1). Last evaluated 2025-06-23.

Conditions:
Hyperphosphatasia with impaired intellectual development syndrome 2. Also called: Hyperphosphatasia with intellectual disability syndrome 2; GLYCOSYLPHOSPHATIDYLINOSITOL BIOSYNTHESIS DEFECT 6. Identifiers: Orphanet 247262, MedGen C3553637, MONDO:0013882, OMIM 614749.

Allele frequency attached by ClinVar (database versions not stated): 1000 Genomes Project 0.00040; 1000 Genomes Project 30x 0.00031; gnomAD exomes 0.00011 and 0.00009; ExAC 0.00012; gnomAD 0.00002 and 0.00005; TOPMed 0.00010.
gnomAD v4.1: 133 of 1,614,040 alleles (0.0082%); highest among the groups gnomAD compares: East Asian, 0.27%; 2 homozygotes.

Submissions (3):

Labcorp Genetics (formerly Invitae), Labcorp
Classification: Likely benign for Hyperphosphatasia with impaired intellectual development syndrome 2. Last evaluated: 2025-06-23. Review status: criteria provided, single submitter. Criteria: Invitae Variant Classification Sherloc (09022015). Collection method: clinical testing. Allele origin: germline.

GeneDx
Classification: Uncertain significance. Last evaluated: 2021-10-11. Review status: criteria provided, single submitter. Criteria: GeneDx Variant Classification Process June 2021. Collection method: clinical testing. Allele origin: germline. Affected: yes.
Comment: Has not been previously published as pathogenic or benign to our knowledge; In silico analysis supports that this missense variant does not alter protein structure/function

Illumina Laboratory Services, Illumina
Classification: Uncertain significance for Hyperphosphatasia with impaired intellectual development syndrome 2. Last evaluated: 2018-01-12. Review status: criteria provided, single submitter. Criteria: ICSL Variant Classification Criteria 13 December 2019. Collection method: clinical testing. Allele origin: germline.